The following is an entry in ClinVar:

NM_000245.4(MET):c.434T>A (p.Val145Asp)

Gene: MET (MET proto-oncogene, receptor tyrosine kinase; plus strand). Cytogenetic location: 7q31.2.
Variant type: single nucleotide variant.
Coding change: c.434T>A on transcript NM_000245.4 (MANE Select); coding-DNA position 434, T replaced by A.
Protein change: p.Val145Asp; replaces valine 145 with aspartic acid.
Molecular consequence: missense variant. On other transcripts: intron variant (1).
Genome position (GRCh38, 1-based): chr7:116,699,518, T>A. VCF-style: chr7-116699518-T-A. GRCh37 (hg19) VCF-style: chr7-116339572-T-A.
Other names: c.434T>A, p.Val145Asp (NM_001127500.3, NM_001324401.3); c.-91+26941T>A (NM_001324402.2); short protein forms V145D.
Identifiers: ClinVar variation 3294339 (VCV003294339.1).

ClinVar aggregate classification (germline): Uncertain significance (1 of 4 stars; one submission).

Conditions:
Hereditary cancer-predisposing syndrome. Also called: Tumor predisposition; Hereditary Cancer Syndrome; Hereditary neoplastic syndrome; Neoplastic Syndromes, Hereditary. Identifiers: Orphanet 140162, MedGen C0027672, MeSH D009386, MONDO:0015356.

Submission:

Ambry Genetics
Classification: Uncertain significance for Hereditary cancer-predisposing syndrome. Last evaluated: 2024-04-22. Review status: criteria provided, single submitter. Criteria: Ambry Variant Classification Scheme 2023. Collection method: clinical testing. Allele origin: germline.
Comment: The p.V145D variant (also known as c.434T>A), located in coding exon 1 of the MET gene, results from a T to A substitution at nucleotide position 434. The valine at codon 145 is replaced by aspartic acid, an amino acid with highly dissimilar properties. This amino acid position is conserved. In addition, this alteration is predicted to be tolerated by in silico analysis. Based on the available evidence, the clinical significance of this variant remains unclear.